The following is an entry in ClinVar:

NM_004366.6(CLCN2):c.1705G>A (p.Gly569Ser)

Gene: CLCN2 (chloride voltage-gated channel 2; minus strand). Cytogenetic location: 3q27.1.
Variant type: single nucleotide variant.
Coding change: c.1705G>A on transcript NM_004366.6 (MANE Select); coding-DNA position 1705, G replaced by A.
Protein change: p.Gly569Ser; replaces glycine 569 with serine.
Molecular consequence: missense variant.
Genome position (GRCh38, 1-based): chr3:184,354,117, C>T on the plus strand (G>A on the coding strand, the complement: CLCN2 is on the minus strand). VCF-style: chr3-184354117-C-T. GRCh37 (hg19) VCF-style: chr3-184071905-C-T.
Other names: c.1654G>A, p.Gly552Ser (NM_001171087.3); c.1573G>A, p.Gly525Ser (NM_001171088.3); c.1705G>A, p.Gly569Ser (NM_001171089.3); short protein forms G525S, G552S, G569S.
Identifiers: ClinVar variation 2714882 (VCV002714882.7), dbSNP rs199889662, ClinGen allele CA2734018.

ClinVar aggregate classification (germline): Uncertain significance. Review status: criteria provided, multiple submitters, no conflicts (2 of 4 stars). 3 submissions from 3 submitters: Uncertain significance (2). 1 of the submissions does not count toward it. Last evaluated 2025-12-18.

Conditions:
Epilepsy, idiopathic generalized, susceptibility to, 11 (EIG11). Identifiers: Orphanet 307, MedGen C2750893, MONDO:0011875, OMIM 607628.
Familial hyperaldosteronism type II. Also called: FH II. Identifiers: Orphanet 404, MedGen C1854107, MONDO:0011576, OMIM 605635.
Leukoencephalopathy with mild cerebellar ataxia and white matter edema (LKPAT). Also called: Leukoencephalopathy with white matter edema; Brain white matter edema; CLCN2-Related Leukoencephalopathy; Leukoencephalopathy with ataxia. Identifiers: Orphanet 363540, MedGen C4554120, MONDO:0014292, OMIM 615651. Disease mechanism: loss of function.

Allele frequency attached by ClinVar (database versions not stated): gnomAD 0.00001; ExAC 0.00003.
gnomAD v4.1: 29 of 1,612,026 alleles (0.0018%); highest among the groups gnomAD compares: East Asian, 0.038%; 1 homozygote.

Submissions (3):

Labcorp Genetics (formerly Invitae), Labcorp
Classification: Uncertain significance. Last evaluated: 2025-12-18. Review status: criteria provided, single submitter. Criteria: Invitae Variant Classification Sherloc (09022015). Collection method: clinical testing. Allele origin: germline.
Comment: This sequence change replaces glycine, which is neutral and non-polar, with serine, which is neutral and polar, at codon 569 of the CLCN2 protein (p.Gly569Ser). This variant is present in population databases (rs199889662, gnomAD 0.03%). This variant has not been reported in the literature in individuals affected with CLCN2-related conditions. ClinVar contains an entry for this variant (Variation ID: 2714882). Invitae Evidence Modeling of protein sequence and biophysical properties (such as structural, functional, and spatial information, amino acid conservation, physicochemical variation, residue mobility, and thermodynamic stability) indicates that this missense variant is not expected to disrupt CLCN2 protein function with a negative predictive value of 80%. In summary, the available evidence is currently insufficient to determine the role of this variant in disease. Therefore, it has been classified as a Variant of Uncertain Significance.

Juno Genomics, Hangzhou Juno Genomics, Inc
Classification: Uncertain significance for Epilepsy, idiopathic generalized, susceptibility to, 11; Familial hyperaldosteronism type II; Leukoencephalopathy with mild cerebellar ataxia and white matter edema. Review status: criteria provided, single submitter. Criteria: ACMG Guidelines, 2015. Collection method: clinical testing. Allele origin: germline.
Comment: Absent from controls (or at extremely low frequency if recessive) in Genome Aggregation Database.;Multiple lines of computational evidence support a deleterious effect on the gene or gene product.

School Of Forensic, Xinxiang Medical University
Classification: Likely pathogenic for Epilepsy, idiopathic generalized, susceptibility to, 11. Review status: no assertion criteria provided. Collection method: research. Allele origin: germline. Inheritance: Autosomal dominant inheritance. Affected: yes. Not counted in ClinVar's aggregate classification.